The following is an entry in ClinVar:

NM_001110556.2(FLNA):c.7789C>T (p.Pro2597Ser)

Genes: FLNA (filamin A; minus strand), LOC107988032 (Xq28 proximal FLNA-EMD recombination region; plus strand). Cytogenetic location: Xq28.
Variant type: single nucleotide variant.
Coding change: c.7789C>T on transcript NM_001110556.2 (MANE Select); coding-DNA position 7789, C replaced by T.
Protein change: p.Pro2597Ser; replaces proline 2597 with serine.
Molecular consequence: missense variant.
Genome position (GRCh38, 1-based): chrX:154,349,004, G>A on the plus strand (C>T on the coding strand, the complement: FLNA is on the minus strand). VCF-style: chrX-154349004-G-A. GRCh37 (hg19) VCF-style: chrX-153577372-G-A.
Other names: c.7765C>T, p.Pro2589Ser (NM_001456.4); short protein forms P2597S, P2589S.
Identifiers: ClinVar variation 2941662 (VCV002941662.3), dbSNP rs2522711459, ClinGen allele CA415178419.
Genomic context (GRCh38, chrX:154,349,004, plus strand): 5'-ACACGCTGTAGAGCCGGCTGCCCACGTGCTTCACCAGGATCTCCTCGCAGGGGGTCCTTG[G>A]GCCATGAACCCCCACCAGCAGCATGTTGTTGCCTGAGGCAAGAGGGGTCCTCAGTCCCAG-3'
Protein context (NP_001104026.1, residues 2587-2607): NNMLLVGVHG[Pro2597Ser]RTPCEEILVK

ClinVar aggregate classification (germline): Uncertain significance (1 of 4 stars; one submission).

Conditions:
Oto-palato-digital syndrome, type II (OPD2). Also called: FACIOPALATOOSSEOUS SYNDROME; OPD II SYNDROME; Otopalatodigital Syndrome, Type II; Otopalatodigital Syndrome Type 2 (FLNA-OPD2). Identifiers: Orphanet 669, Orphanet 90652, MedGen C1844696, MONDO:0010571, OMIM 304120.
Heterotopia, periventricular, X-linked dominant (PVNH1). Also called: PERIVENTRICULAR NODULAR HETEROTOPIA 1; X-linked periventricular heterotopia; PERIVENTRICULAR NODULAR HETEROTOPIA 4; HETEROTOPIA, PERIVENTRICULAR, 1. Identifiers: Orphanet 2149, Orphanet 82004, MedGen C1848213, MONDO:0010233, OMIM 300049.
Frontometaphyseal dysplasia (FMD1). Identifiers: Orphanet 1826, MedGen C0265293, MONDO:0015942.
Melnick-Needles syndrome (MNS). Also called: MELNICK-NEEDLES OSTEODYSPLASTY; OSTEODYSPLASTY OF MELNICK AND NEEDLES; Melnick-Needles Syndrome (FLNA-MNS). Identifiers: Orphanet 2484, MedGen C0025237, MONDO:0010650, OMIM 309350.

Submission:

Labcorp Genetics (formerly Invitae), Labcorp
Classification: Uncertain significance for Oto-palato-digital syndrome, type II; Heterotopia, periventricular, X-linked dominant; Frontometaphyseal dysplasia; Melnick-Needles syndrome. Last evaluated: 2025-05-01. Review status: criteria provided, single submitter. Criteria: Invitae Variant Classification Sherloc (09022015). Collection method: clinical testing. Allele origin: germline.
Comment: This sequence change replaces proline, which is neutral and non-polar, with serine, which is neutral and polar, at codon 2589 of the FLNA protein (p.Pro2589Ser). This variant is not present in population databases (gnomAD no frequency). This variant has not been reported in the literature in individuals affected with FLNA-related conditions. ClinVar contains an entry for this variant (Variation ID: 2941662). Invitae Evidence Modeling of protein sequence and biophysical properties (such as structural, functional, and spatial information, amino acid conservation, physicochemical variation, residue mobility, and thermodynamic stability) indicates that this missense variant is not expected to disrupt FLNA protein function with a negative predictive value of 95%. In summary, the available evidence is currently insufficient to determine the role of this variant in disease. Therefore, it has been classified as a Variant of Uncertain Significance.